The following is an entry in ClinVar:

NM_000498.3(CYP11B2):c.760A>T (p.Lys254Ter)

Genes: CYP11B2 (cytochrome P450 family 11 subfamily B member 2; minus strand), LOC106799834 (CYP11B2 recombination region; plus strand). Cytogenetic location: 8q24.3.
Variant type: single nucleotide variant.
Coding change: c.760A>T on transcript NM_000498.3 (MANE Select); coding-DNA position 760, A replaced by T.
Protein change: p.Lys254Ter; replaces lysine 254 with a stop codon.
Molecular consequence: nonsense.
Genome position (GRCh38, 1-based): chr8:142,914,744, T>A on the plus strand (A>T on the coding strand, the complement: CYP11B2 is on the minus strand). VCF-style: chr8-142914744-T-A. GRCh37 (hg19) VCF-style: chr8-143996160-T-A.
Other names: short protein forms K254*.
Identifiers: ClinVar variation 1451246 (VCV001451246.7), dbSNP rs759666789, ClinGen allele CA4906102.

ClinVar aggregate classification (germline): Pathogenic/Likely pathogenic. Review status: criteria provided, multiple submitters, no conflicts (2 of 4 stars). 2 submissions from 2 submitters: Pathogenic (1); Likely pathogenic (1). Last evaluated 2024-08-13.

Conditions:
Corticosterone methyl oxidase type II deficiency.

Allele frequency attached by ClinVar (database versions not stated): ExAC 0.00001; gnomAD exomes 0.00001.
gnomAD v4.1: 3 of 1,613,138 alleles (0.00019%); highest among the groups gnomAD compares: Non-Finnish European, 0.00025%; no homozygotes.

Submissions (2):

Natera, Inc.
Classification: Likely pathogenic for Corticosterone methyl oxidase type II deficiency. Last evaluated: 2024-08-13. Review status: criteria provided, single submitter. Criteria: Natera Variant Classification Schema (03/2026). Collection method: clinical testing. Allele origin: germline.
Comment: The c.760A>T variant in CYP11B2 is a nonsense variant predicted to introduce a stop codon at amino acid 254. This variant is expected to result in nonsense mediated decay, truncation, or a dysfunctional protein product. This variant is rare in the general population with a frequency below the threshold expected for the associated phenotype(s). Given the available evidence, this variant is classified as Likely Pathogenic.

Labcorp Genetics (formerly Invitae), Labcorp
Classification: Pathogenic. Last evaluated: 2023-08-16. Review status: criteria provided, single submitter. Criteria: Invitae Variant Classification Sherloc (09022015). Collection method: clinical testing. Allele origin: germline.
Comment: For these reasons, this variant has been classified as Pathogenic. Algorithms developed to predict the effect of sequence changes on RNA splicing suggest that this variant may disrupt the consensus splice site. ClinVar contains an entry for this variant (Variation ID: 1451246). This variant has not been reported in the literature in individuals affected with CYP11B2-related conditions. This variant is present in population databases (rs759666789, gnomAD 0.0009%). This sequence change creates a premature translational stop signal (p.Lys254*) in the CYP11B2 gene. It is expected to result in an absent or disrupted protein product. Loss-of-function variants in CYP11B2 are known to be pathogenic (PMID: 20494601, 22801770, 26936515).

Literature cited by the submitters: PubMed 20494601 (cited by Labcorp Genetics (formerly Invitae), Labcorp); PubMed 22801770 (cited by Labcorp Genetics (formerly Invitae), Labcorp); PubMed 26936515 (cited by Labcorp Genetics (formerly Invitae), Labcorp).